The following is an entry in ClinVar:

NM_013352.4(DSE):c.176G>A (p.Arg59Lys)

Gene: DSE (dermatan sulfate epimerase; plus strand). Cytogenetic location: 6q22.1.
Variant type: single nucleotide variant.
Coding change: c.176G>A on transcript NM_013352.4 (MANE Select); coding-DNA position 176, G replaced by A.
Protein change: p.Arg59Lys; replaces arginine 59 with lysine.
Molecular consequence: missense variant. On other transcripts: 5 prime UTR variant (4), non-coding transcript variant (1).
Genome position (GRCh38, 1-based): chr6:116,399,426, G>A. VCF-style: chr6-116399426-G-A. GRCh37 (hg19) VCF-style: chr6-116720589-G-A.
Other names: c.176G>A, p.Arg59Lys (NM_001080976.3, NM_001322937.2, NM_001322938.2 and 3 more transcripts); c.233G>A, p.Arg78Lys (NM_001322939.2); c.-382G>A (NM_001322940.2, NM_001322941.2); c.-725G>A (NM_001374520.1); c.-412G>A (NM_001374521.1); short protein forms R59K, R78K.
Identifiers: ClinVar variation 4535810 (VCV004535810.1).

ClinVar aggregate classification (germline): Uncertain significance (1 of 4 stars; one submission).

gnomAD v4.1: 2 of 1,614,192 alleles (0.00012%); highest among the groups gnomAD compares: Admixed American, 0.0033%; no homozygotes.

Submission:

Women's Health and Genetics/Laboratory Corporation of America, LabCorp
Classification: Uncertain significance. Last evaluated: 2025-09-04. Review status: criteria provided, single submitter. Criteria: LabCorp Variant Classification Summary - May 2015. Collection method: clinical testing. Allele origin: germline.
Comment: Variant summary: DSE c.176G>A (p.Arg59Lys) results in a conservative amino acid change in the encoded protein sequence. Algorithms developed to predict the effect of missense changes on protein structure and function are either unavailable or do not agree on the potential impact of this missense change. The variant allele was found at a frequency of 8e-06 in 251374 control chromosomes. The available data on variant occurrences in the general population are insufficient to allow any conclusion about variant significance. To our knowledge, no occurrence of c.176G>A in individuals affected with DSE-related conditions and no experimental evidence demonstrating its impact on protein function have been reported. No submitters have cited clinical-significance assessments for this variant to ClinVar. Based on the evidence outlined above, the variant was classified as uncertain significance.